The following is an entry in ClinVar:

NM_014363.6(SACS):c.3917dup (p.Asn1306fs)

Gene: SACS (sacsin molecular chaperone; minus strand). Cytogenetic location: 13q12.12.
Variant type: Duplication.
Coding change: c.3917dup on transcript NM_014363.6 (MANE Select); coding-DNA position 3917, one base duplicated (A; older notation c.3917dupA).
Protein change: p.Asn1306fs; shifts the reading frame from asparagine 1306.
Molecular consequence: frameshift variant.
Genome position (GRCh38, 1-based): chr13:23,339,959, T duplicated on the plus strand (A on the coding strand, the reverse complement: SACS is on the minus strand); the first of 2 consecutive T bases (chr13:23,339,959-23,339,960); duplicating either gives the same sequence. VCF-style (leftmost placement, unchanged base first): chr13-23339958-A-AT. GRCh37 (hg19) VCF-style: chr13-23914097-A-AT.
Other names: c.3476dup, p.Asn1159fs (NM_001278055.2); c.3944dup, p.Asn1315fs (NM_001437336.1); short protein forms N1159fs, N1306fs, N1315fs.
Identifiers: ClinVar variation 5004063 (VCV005004063.1).

ClinVar aggregate classification (germline): Pathogenic (1 of 4 stars; one submission).

Conditions:
Charlevoix-Saguenay spastic ataxia (SACS). Also called: SPASTIC ATAXIA 6, AUTOSOMAL RECESSIVE; AUTOSOMAL RECESSIVE SPASTIC ATAXIA OF CHARLEVOIX-SAGUENAY; Spastic ataxia of Charlevoix-Saguenay. Identifiers: Orphanet 98, MedGen C1849140, MONDO:0010041, OMIM 270550.

Submission:

Myriad Genetics, Inc.
Classification: Pathogenic for Charlevoix-Saguenay spastic ataxia. Last evaluated: 2025-07-16. Review status: criteria provided, single submitter. Criteria: Myriad Autosomal Dominant, Autosomal Recessive and X-Linked Classification Criteria (2023). Collection method: clinical testing. Allele origin: unknown.
Comment: NM_014363.4(SACS):c.3917dupA(N1306Kfs*4) is a frameshift variant classified as pathogenic in the context of autosomal recessive spastic ataxia of Charlevoix-Saguenay. N1306Kfs*4 has not been observed in cases with relevant disease. Relevant functional assessments of this variant are not available in the literature. N1306Kfs*4 has not been observed in referenced population frequency databases. In summary, NM_014363.4(SACS):c.3917dupA(N1306Kfs*4) is a frameshift variant in a gene where loss of function is a known mechanism of disease and is predicted to disrupt protein function. Please note: this variant was assessed in the context of healthy population screening.